The following is an entry in ClinVar:

NM_000365.6(TPI1):c.458-9del

Gene: TPI1 (triosephosphate isomerase 1; plus strand). Cytogenetic location: 12p13.31.
Variant type: Deletion.
Coding change: c.458-9del on transcript NM_000365.6 (MANE Select); 9 bases into the intron before coding-DNA position 458, one base deleted (G; older notation c.458-9delG).
Molecular consequence: intron variant.
Genome position (GRCh38, 1-based): chr12:6,869,679, G deleted. VCF-style (leftmost placement, unchanged base first): chr12-6869678-TG-T. GRCh37 (hg19) VCF-style: chr12-6978842-TG-T.
Other names: p.?; c.569-9del (NM_001159287.1); c.212-9del (NM_001258026.2).
Identifiers: ClinVar variation 1584106 (VCV001584106.9), dbSNP rs782543276, ClinGen allele CA6418950.
Genomic context (GRCh38, chr12:6,869,678, plus strand): 5'-ACTCCGGAGAACCTGGCTGGAGAGCTCTTTCTTGTTCACCCTTCCCTCCATCTGTATCTC[TG>T]CCCTGCAGATAACGTGAAGGACTGGAGCAAGGTCGTCCTGGCCTATGAGCCTGTGTGGGC-3'

ClinVar aggregate classification (germline): Likely benign. Review status: criteria provided, multiple submitters, no conflicts (2 of 4 stars). 2 submissions from 2 submitters: Likely benign (2). Last evaluated 2025-02-24.

Allele frequency attached by ClinVar (database versions not stated): gnomAD 0.00003; TOPMed 0.00005; ExAC 0.00007; gnomAD exomes 0.00014.

Submissions (2):

Labcorp Genetics (formerly Invitae), Labcorp
Classification: Likely benign. Last evaluated: 2025-02-24. Review status: criteria provided, single submitter. Criteria: Invitae Variant Classification Sherloc (09022015). Collection method: clinical testing. Allele origin: germline.

Mayo Clinic Laboratories, Mayo Clinic
Classification: Likely benign. Last evaluated: 2024-11-26. Review status: criteria provided, single submitter. Criteria: ACMG Guidelines, 2015. Collection method: clinical testing. Allele origin: germline. Observed: 1 variant allele.
Comment: BP4, BP7